The following is an entry in ClinVar:

NM_001110556.2(FLNA):c.1655T>G (p.Val552Gly)

Gene: FLNA (filamin A; minus strand). Cytogenetic location: Xq28.
Variant type: single nucleotide variant.
Coding change: c.1655T>G on transcript NM_001110556.2 (MANE Select); coding-DNA position 1655, T replaced by G.
Protein change: p.Val552Gly; replaces valine 552 with glycine.
Molecular consequence: missense variant.
Genome position (GRCh38, 1-based): chrX:154,365,172, A>C on the plus strand (T>G on the coding strand, the complement: FLNA is on the minus strand). VCF-style: chrX-154365172-A-C. GRCh37 (hg19) VCF-style: chrX-153593540-A-C.
Other names: c.1655T>G, p.Val552Gly (NM_001456.4); short protein forms V552G.
Identifiers: ClinVar variation 3754013 (VCV003754013.2).

ClinVar aggregate classification (germline): Uncertain significance (1 of 4 stars; one submission).

Conditions:
Melnick-Needles syndrome (MNS). Also called: MELNICK-NEEDLES OSTEODYSPLASTY; OSTEODYSPLASTY OF MELNICK AND NEEDLES; Melnick-Needles Syndrome (FLNA-MNS). Identifiers: Orphanet 2484, MedGen C0025237, MONDO:0010650, OMIM 309350.
Frontometaphyseal dysplasia (FMD1). Identifiers: Orphanet 1826, MedGen C0265293, MONDO:0015942.
Heterotopia, periventricular, X-linked dominant (PVNH1). Also called: PERIVENTRICULAR NODULAR HETEROTOPIA 1; X-linked periventricular heterotopia; PERIVENTRICULAR NODULAR HETEROTOPIA 4; HETEROTOPIA, PERIVENTRICULAR, 1. Identifiers: Orphanet 2149, Orphanet 82004, MedGen C1848213, MONDO:0010233, OMIM 300049.
Oto-palato-digital syndrome, type II (OPD2). Also called: FACIOPALATOOSSEOUS SYNDROME; OPD II SYNDROME; Otopalatodigital Syndrome, Type II; Otopalatodigital Syndrome Type 2 (FLNA-OPD2). Identifiers: Orphanet 669, Orphanet 90652, MedGen C1844696, MONDO:0010571, OMIM 304120.

Submission:

Labcorp Genetics (formerly Invitae), Labcorp
Classification: Uncertain significance for Oto-palato-digital syndrome, type II; Heterotopia, periventricular, X-linked dominant; Frontometaphyseal dysplasia; Melnick-Needles syndrome. Last evaluated: 2024-06-03. Review status: criteria provided, single submitter. Criteria: Invitae Variant Classification Sherloc (09022015). Collection method: clinical testing. Allele origin: germline.
Comment: This sequence change replaces valine, which is neutral and non-polar, with glycine, which is neutral and non-polar, at codon 552 of the FLNA protein (p.Val552Gly). This variant is not present in population databases (gnomAD no frequency). This variant has not been reported in the literature in individuals affected with FLNA-related conditions. Advanced modeling of protein sequence and biophysical properties (such as structural, functional, and spatial information, amino acid conservation, physicochemical variation, residue mobility, and thermodynamic stability) has been performed at Invitae for this missense variant, however the output from this modeling did not meet the statistical confidence thresholds required to predict the impact of this variant on FLNA protein function. In summary, the available evidence is currently insufficient to determine the role of this variant in disease. Therefore, it has been classified as a Variant of Uncertain Significance.